The following is an entry in ClinVar:

ClinVar aggregate classification (germline): Likely benign (1 of 4 stars; one submission).

Conditions:
Disorders of Intracellular Cobalamin Metabolism. Identifiers: MedGen CN043592.

Allele frequency attached by ClinVar (database versions not stated): gnomAD exomes 0.00064 and 0.00146; gnomAD 0.00073 and 0.00093; TOPMed 0.00087; ExAC 0.00112; 1000 Genomes Project 30x 0.00406; 1000 Genomes Project 0.00419.
gnomAD v4.1: 314 of 409,808 alleles (0.077%); highest among the groups gnomAD compares: East Asian, 1.7%; 2 homozygotes.

Submission:

Illumina Laboratory Services, Illumina
Classification: Likely benign for Disorders of Intracellular Cobalamin Metabolism. Last evaluated: 2018-01-12. Review status: criteria provided, single submitter. Criteria: ICSL Variant Classification Criteria 13 December 2019. Collection method: clinical testing. Allele origin: germline.
Comment: This variant was observed in the ICSL laboratory as part of a predisposition screen in an ostensibly healthy population. It had not been previously curated by ICSL or reported in the Human Gene Mutation Database (HGMD: prior to June 1st, 2018), and was therefore a candidate for classification through an automated scoring system. Utilizing variant allele frequency, disease prevalence and penetrance estimates, and inheritance mode, an automated score was calculated to assess if this variant is too frequent to cause the disease. Based on the score and internal cut-off values, a variant classified as likely benign is not then subjected to further curation. The score for this variant resulted in a classification of likely benign for this disease.

NM_000254.3(MTR):c.*2538A>G

Gene: MTR (5-methyltetrahydrofolate-homocysteine methyltransferase; plus strand). Cytogenetic location: 1q43.
Variant type: single nucleotide variant.
Coding change: c.*2538A>G on transcript NM_000254.3 (MANE Select); 2538 bases downstream of the stop codon, A replaced by G.
Molecular consequence: 3 prime UTR variant.
Genome position (GRCh38, 1-based): chr1:236,900,182, A>G. VCF-style: chr1-236900182-A-G. GRCh37 (hg19) VCF-style: chr1-237063482-A-G.
Other names: c.*2538A>G (NM_001291939.1, NM_001291940.2).
Identifiers: ClinVar variation 296632 (VCV000296632.5), dbSNP rs148021206, ClinGen allele CA1474816.